The following is an entry in ClinVar:

NM_000088.4(COL1A1):c.1019C>T (p.Ala340Val)

Gene: COL1A1 (collagen type I alpha 1 chain; minus strand). Cytogenetic location: 17q21.33.
Variant type: single nucleotide variant.
Coding change: c.1019C>T on transcript NM_000088.4 (MANE Select); coding-DNA position 1019, C replaced by T.
Protein change: p.Ala340Val; replaces alanine 340 with valine.
Molecular consequence: missense variant.
Genome position (GRCh38, 1-based): chr17:50,195,960, G>A on the plus strand (C>T on the coding strand, the complement: COL1A1 is on the minus strand). VCF-style: chr17-50195960-G-A. GRCh37 (hg19) VCF-style: chr17-48273321-G-A.
Other names: short protein forms A340V.
Identifiers: ClinVar variation 1306287 (VCV001306287.2), dbSNP rs1412901667, ClinGen allele CA400221039.

ClinVar aggregate classification (germline): Uncertain significance (1 of 4 stars; one submission).

Submission:

GeneDx
Classification: Uncertain significance. Last evaluated: 2019-06-05. Review status: criteria provided, single submitter. Criteria: GeneDx Variant Classification Process June 2021. Collection method: clinical testing. Allele origin: germline. Affected: yes.
Comment: Has not been previously published as pathogenic or benign to our knowledge; Not observed in large population cohorts (Lek et al., 2016); In silico analysis, which includes protein predictors and evolutionary conservation, supports that this variant does not alter protein structure/function; Occurs in the triple helical domain at the Y position in the canonical Gly-X-Y repeat. Although this variant may have an effect on normal protein folding and function, missense substitution at the Y position is not a common mechanism of disease (Stenson et al., 2014)